The following is an entry in ClinVar:

ClinVar aggregate classification (germline): Uncertain significance (1 of 4 stars; one submission).

Conditions:
Combined immunodeficiency due to ZAP70 deficiency (IMD48). Also called: Immunodeficiency 48; ZAP70 Deficiency. Identifiers: Orphanet 911, MedGen C2931299, MONDO:0010023, OMIM 269840.

Allele frequency attached by ClinVar (database versions not stated): gnomAD exomes 0.00001 and 0.00002; ExAC 0.00004; 1000 Genomes Project 30x 0.00016; 1000 Genomes Project 0.00020; gnomAD 0.00003 and 0.00002; TOPMed 0.00002.

Submission:

Labcorp Genetics (formerly Invitae), Labcorp
Classification: Uncertain significance for Combined immunodeficiency due to ZAP70 deficiency. Last evaluated: 2022-06-27. Review status: criteria provided, single submitter. Criteria: Invitae Variant Classification Sherloc (09022015). Collection method: clinical testing. Allele origin: germline.
Comment: This sequence change replaces threonine with methionine at codon 276 of the ZAP70 protein (p.Thr276Met). The threonine residue is weakly conserved and there is a moderate physicochemical difference between threonine and methionine. This variant is present in population databases (rs199502727, gnomAD 0.004%). This variant has not been reported in the literature in individuals affected with ZAP70-related conditions. ClinVar contains an entry for this variant (Variation ID: 565808). Algorithms developed to predict the effect of missense changes on protein structure and function output the following: SIFT: "Not Available"; PolyPhen-2: "Benign"; Align-GVGD: "Not Available". The methionine amino acid residue is found in multiple mammalian species, which suggests that this missense change does not adversely affect protein function. In summary, the available evidence is currently insufficient to determine the role of this variant in disease. Therefore, it has been classified as a Variant of Uncertain Significance.

NM_001079.4(ZAP70):c.827C>T (p.Thr276Met)

Gene: ZAP70 (zeta chain of T cell receptor associated protein kinase 70; plus strand). Cytogenetic location: 2q11.2.
Variant type: single nucleotide variant.
Coding change: c.827C>T on transcript NM_001079.4 (MANE Select); coding-DNA position 827, C replaced by T.
Protein change: p.Thr276Met; replaces threonine 276 with methionine.
Molecular consequence: missense variant. On other transcripts: 5 prime UTR variant (1).
Genome position (GRCh38, 1-based): chr2:97,733,333, C>T. VCF-style: chr2-97733333-C-T. GRCh37 (hg19) VCF-style: chr2-98349796-C-T.
Other names: c.827C>T, p.Thr276Met (NM_001378594.1); c.-1219C>T (NM_207519.2); short protein forms T276M.
Identifiers: ClinVar variation 565808 (VCV000565808.4), dbSNP rs199502727, ClinGen allele CA1790244.